The following is an entry in ClinVar:

NM_003873.7(NRP1):c.2742G>C (p.Leu914=)

Gene: NRP1 (neuropilin 1; minus strand). Cytogenetic location: 10p11.22.
Variant type: single nucleotide variant.
Coding change: c.2742G>C on transcript NM_003873.7 (MANE Select); coding-DNA position 2742, G replaced by C.
Protein change: p.Leu914=; no amino-acid change (leucine 914 retained).
Molecular consequence: synonymous variant. On other transcripts: non-coding transcript variant (1).
Genome position (GRCh38, 1-based): chr10:33,180,106, C>G on the plus strand (G>C on the coding strand, the complement: NRP1 is on the minus strand). VCF-style: chr10-33180106-C-G. GRCh37 (hg19) VCF-style: chr10-33469034-C-G.
Other names: c.2724G>C, p.Leu908= (NM_001244972.2); c.2721G>C, p.Leu907= (NM_001244973.2); c.2691G>C, p.Leu897= (NM_001330068.2).
Identifiers: ClinVar variation 3355250 (VCV003355250.1).

ClinVar aggregate classification (germline): Likely benign (0 of 4 stars; one submission).

Conditions:
NRP1-related disorder. Also called: NRP1-related condition.

Submission:

PreventionGenetics, part of Exact Sciences
Classification: Likely benign for NRP1-related condition. Last evaluated: 2021-11-03. Review status: no assertion criteria provided. Collection method: clinical testing. Allele origin: germline.
Comment: This variant is classified as likely benign based on ACMG/AMP sequence variant interpretation guidelines (Richards et al. 2015 PMID: 25741868, with internal and published modifications).